The following is an entry in ClinVar:

NM_000321.3(RB1):c.1080T>G (p.Ser360Arg)

Gene: RB1 (RB transcriptional corepressor 1; plus strand). Cytogenetic location: 13q14.2.
Variant type: single nucleotide variant.
Coding change: c.1080T>G on transcript NM_000321.3 (MANE Select); coding-DNA position 1080, T replaced by G.
Protein change: p.Ser360Arg; replaces serine 360 with arginine.
Molecular consequence: missense variant.
Genome position (GRCh38, 1-based): chr13:48,368,557, T>G. VCF-style: chr13-48368557-T-G. GRCh37 (hg19) VCF-style: chr13-48942693-T-G.
Other names: short protein forms S360R.
Identifiers: ClinVar variation 1515921 (VCV001515921.6), dbSNP rs1198811715, ClinGen allele CA388161185.

ClinVar aggregate classification (germline): Uncertain significance (1 of 4 stars; one submission).

Conditions:
Retinoblastoma (RB1). Also called: RETINOBLASTOMA, SOMATIC. Identifiers: Orphanet 790, MedGen C0035335, MeSH D012175, MONDO:0008380, OMIM 180200, HP:0009919. Disease mechanism: loss of function. Inheritance: Both sporadic and heritable forms are tested..

Submission:

Labcorp Genetics (formerly Invitae), Labcorp
Classification: Uncertain significance for Retinoblastoma. Last evaluated: 2021-08-30. Review status: criteria provided, single submitter. Criteria: Invitae Variant Classification Sherloc (09022015). Collection method: clinical testing. Allele origin: germline.
Comment: This sequence change replaces serine with arginine at codon 360 of the RB1 protein (p.Ser360Arg). The serine residue is weakly conserved and there is a moderate physicochemical difference between serine and arginine. In summary, the available evidence is currently insufficient to determine the role of this variant in disease. Therefore, it has been classified as a Variant of Uncertain Significance. Algorithms developed to predict the effect of missense changes on protein structure and function are either unavailable or do not agree on the potential impact of this missense change (SIFT: "Deleterious"; PolyPhen-2: "Benign"; Align-GVGD: "Class C25"). This variant has not been reported in the literature in individuals affected with RB1-related conditions. This variant is not present in population databases (ExAC no frequency).